The following is an entry in ClinVar:

NM_001059.3(TACR3):c.250C>A (p.Arg84Ser)

Gene: TACR3 (tachykinin receptor 3; minus strand). Cytogenetic location: 4q24.
Variant type: single nucleotide variant.
Coding change: c.250C>A on transcript NM_001059.3 (MANE Select); coding-DNA position 250, C replaced by A.
Protein change: p.Arg84Ser; replaces arginine 84 with serine.
Molecular consequence: missense variant.
Genome position (GRCh38, 1-based): chr4:103,719,426, G>T on the plus strand (C>A on the coding strand, the complement: TACR3 is on the minus strand). VCF-style: chr4-103719426-G-T. GRCh37 (hg19) VCF-style: chr4-104640583-G-T.
Other names: short protein forms R84S.
Identifiers: ClinVar variation 1331111 (VCV001331111.2), dbSNP rs1208727441, ClinGen allele CA357964889.

ClinVar aggregate classification (germline): Uncertain significance (1 of 4 stars; one submission).

gnomAD v4.1: 3 of 1,614,226 alleles (0.00019%); highest among the groups gnomAD compares: Admixed American, 0.0017%; no homozygotes.

Submission:

GeneDx
Classification: Uncertain significance. Last evaluated: 2021-06-28. Review status: criteria provided, single submitter. Criteria: GeneDx Variant Classification Process June 2021. Collection method: clinical testing. Allele origin: germline. Affected: yes.
Comment: Not observed at significant frequency in large population cohorts (Lek et al., 2016); In silico analysis supports that this missense variant has a deleterious effect on protein structure/function; Has not been previously published as pathogenic or benign to our knowledge; This variant is associated with the following publications: (PMID: 27535533)